The following is an entry in ClinVar:

NM_000384.3(APOB):c.3818T>A (p.Ile1273Asn)

Gene: APOB (apolipoprotein B; minus strand). Cytogenetic location: 2p24.1.
Variant type: single nucleotide variant.
Coding change: c.3818T>A on transcript NM_000384.3 (MANE Select); coding-DNA position 3818, T replaced by A.
Protein change: p.Ile1273Asn; replaces isoleucine 1273 with asparagine.
Molecular consequence: missense variant.
Genome position (GRCh38, 1-based): chr2:21,014,472, A>T on the plus strand (T>A on the coding strand, the complement: APOB is on the minus strand). VCF-style: chr2-21014472-A-T. GRCh37 (hg19) VCF-style: chr2-21237344-A-T.
Other names: short protein forms I1273N.
Identifiers: ClinVar variation 1735210 (VCV001735210.4), dbSNP rs772873744, ClinGen allele CA43512985.

ClinVar aggregate classification (germline): Uncertain significance. Review status: criteria provided, multiple submitters, no conflicts (2 of 4 stars). 2 submissions from 2 submitters: Uncertain significance (2). Last evaluated 2024-12-23.

Conditions:
Cardiovascular phenotype. Identifiers: MedGen CN230736.

Allele frequency attached by ClinVar (database versions not stated): gnomAD 0.00001; gnomAD exomes 0.00004; TOPMed 0.00002.
gnomAD v4.1: 56 of 1,613,946 alleles (0.0035%); highest among the groups gnomAD compares: Non-Finnish European, 0.0046%; no homozygotes.

Submissions (2):

GeneDx
Classification: Uncertain significance. Last evaluated: 2024-12-23. Review status: criteria provided, single submitter. Criteria: GeneDx Variant Classification Process June 2021. Collection method: clinical testing. Allele origin: germline. Affected: yes.
Comment: Not observed at significant frequency in large population cohorts (gnomAD); In silico analysis supports that this missense variant has a deleterious effect on protein structure/function; Has not been previously published as pathogenic or benign to our knowledge

Ambry Genetics
Classification: Uncertain significance for Cardiovascular phenotype. Last evaluated: 2024-11-05. Review status: criteria provided, single submitter. Criteria: Ambry Variant Classification Scheme 2023. Collection method: clinical testing. Allele origin: germline.
Comment: The p.I1273N variant (also known as c.3818T>A), located in coding exon 24 of the APOB gene, results from a T to A substitution at nucleotide position 3818. The isoleucine at codon 1273 is replaced by asparagine, an amino acid with dissimilar properties. This amino acid position is conserved. In addition, this alteration is predicted to be tolerated by in silico analysis. Since supporting evidence is limited at this time, the clinical significance of this alteration remains unclear.